The following is an entry in ClinVar:

NM_024580.6(EFL1):c.1026C>T (p.Asn342=)

Gene: EFL1 (elongation factor like GTPase 1; minus strand). Cytogenetic location: 15q25.2.
Variant type: single nucleotide variant.
Coding change: c.1026C>T on transcript NM_024580.6 (MANE Select); coding-DNA position 1026, C replaced by T.
Protein change: p.Asn342=; no amino-acid change (asparagine 342 retained).
Molecular consequence: synonymous variant. On other transcripts: non-coding transcript variant (1).
Genome position (GRCh38, 1-based): chr15:82,228,234, G>A on the plus strand (C>T on the coding strand, the complement: EFL1 is on the minus strand). VCF-style: chr15-82228234-G-A. GRCh37 (hg19) VCF-style: chr15-82520575-G-A.
Other names: c.1026C>T (NM_024580.5); c.873C>T, p.Asn291= (NM_001040610.3); c.237C>T, p.Asn79= (NM_001322844.2); c.1026C>T, p.Asn342= (NM_001322845.2).
Identifiers: ClinVar variation 734854 (VCV000734854.12), dbSNP rs192835644, ClinGen allele CA7698115.
Genomic context (GRCh38, chr15:82,228,234, plus strand): 5'-ATTAGAATAAAGGATACCAAGAACAGCATGGGATATGGGTAGCCACTGACTGCAAATGGC[G>A]TTGATCTGAACTTTAGGGTCTGAATGTCGTGCCTCCCGGGCTCCAATTTTTAATCCTAAA-3'
Protein context (NP_078856.4, residues 332-352): ARHSDPKVQI[Asn342=]AICSQWLPIS

ClinVar aggregate classification (germline): Benign/Likely benign. Review status: criteria provided, multiple submitters, no conflicts (2 of 4 stars). 3 submissions from 3 submitters: Benign (1); Likely benign (1). 1 of the submissions does not count toward it. Last evaluated 2026-02-01.

Conditions:
EFL1-related disorder. Also called: EFL1-related condition.

Allele frequency attached by ClinVar (database versions not stated): gnomAD exomes 0.00019 and 0.00060; ExAC 0.00074; gnomAD 0.00182 and 0.00192; ESP Exome Variant Server 0.00185; TOPMed 0.00227; 1000 Genomes Project 0.00280; 1000 Genomes Project 30x 0.00344.
gnomAD v4.1: 594 of 1,613,980 alleles (0.037%); highest among the groups gnomAD compares: African/African-American, 0.6%; 1 homozygote.

Submissions (3):

Labcorp Genetics (formerly Invitae), Labcorp
Classification: Benign. Last evaluated: 2026-02-01. Review status: criteria provided, single submitter. Criteria: Invitae Variant Classification Sherloc (09022015). Collection method: clinical testing. Allele origin: germline.

Blueprint Genetics
Classification: Likely benign. Last evaluated: 2024-11-21. Review status: criteria provided, single submitter. Criteria: ACMG Guidelines, 2015. Collection method: clinical testing. Allele origin: germline.

PreventionGenetics, part of Exact Sciences
Classification: Likely benign for EFL1-related condition. Last evaluated: 2019-08-12. Review status: no assertion criteria provided. Collection method: clinical testing. Allele origin: germline. Not counted in ClinVar's aggregate classification.
Comment: This variant is classified as likely benign based on ACMG/AMP sequence variant interpretation guidelines (Richards et al. 2015 PMID: 25741868, with internal and published modifications).